The following is an entry in ClinVar:

NM_015662.3(IFT172):c.3538C>T (p.His1180Tyr)

Genes: IFT172 (intraflagellar transport 172; minus strand), LOC126806173 (BRD4-independent group 4 enhancer GRCh37_chr2:27676057-27677256; plus strand). Cytogenetic location: 2p23.3.
Variant type: single nucleotide variant.
Coding change: c.3538C>T on transcript NM_015662.3 (MANE Select); coding-DNA position 3538, C replaced by T.
Protein change: p.His1180Tyr; replaces histidine 1180 with tyrosine.
Molecular consequence: missense variant.
Genome position (GRCh38, 1-based): chr2:27,454,155, G>A on the plus strand (C>T on the coding strand, the complement: IFT172 is on the minus strand). VCF-style: chr2-27454155-G-A. GRCh37 (hg19) VCF-style: chr2-27677022-G-A.
Other names: c.3538C>T (NM_015662.1); short protein forms H1180Y.
Identifiers: ClinVar variation 843450 (VCV000843450.36), dbSNP rs746868013, ClinGen allele CA1579937.

ClinVar aggregate classification (germline): Uncertain significance. Review status: criteria provided, multiple submitters, no conflicts (2 of 4 stars). 7 submissions from 7 submitters: Uncertain significance (6). 1 of the submissions does not count toward it. Last evaluated 2025-04-10.

Conditions:
Bardet-Biedl syndrome 20. Identifiers: MedGen C4310707, MONDO:0023670, OMIM 619471, MONDO:0014926.
Short-rib thoracic dysplasia 10 with or without polydactyly (SRTD10). Identifiers: Orphanet 474, MedGen C3810175, MONDO:0014284, OMIM 615630.
Retinitis pigmentosa 71 (RP71). Identifiers: Orphanet 791, MedGen C4225342, MONDO:0014618, OMIM 616394.
Inborn genetic diseases. Identifiers: MedGen C0950123, MeSH D030342.
IFT172-related disorder. Also called: IFT172-related condition; IFT172-related disorders.

Allele frequency attached by ClinVar (database versions not stated): gnomAD exomes 0.00007 and 0.00008; TOPMed 0.00007; gnomAD 0.00009 and 0.00010; ExAC 0.00011.
gnomAD v4.1: 114 of 1,611,730 alleles (0.0071%); highest among the groups gnomAD compares: Non-Finnish European, 0.0087%; no homozygotes.

Submissions (7):

GeneDx
Classification: Uncertain significance. Last evaluated: 2025-04-10. Review status: criteria provided, single submitter. Criteria: GeneDx Variant Classification Process June 2021. Collection method: clinical testing. Allele origin: germline. Affected: yes.
Comment: In silico analysis supports that this missense variant has a deleterious effect on protein structure/function; Has not been previously published as pathogenic or benign to our knowledge

Ambry Genetics
Classification: Uncertain significance for Inborn genetic diseases. Last evaluated: 2025-03-21. Review status: criteria provided, single submitter. Criteria: Ambry Variant Classification Scheme 2023. Collection method: clinical testing. Allele origin: germline.

Labcorp Genetics (formerly Invitae), Labcorp
Classification: Uncertain significance for Retinitis pigmentosa 71; Short-rib thoracic dysplasia 10 with or without polydactyly. Last evaluated: 2024-11-11. Review status: criteria provided, single submitter. Criteria: Invitae Variant Classification Sherloc (09022015). Collection method: clinical testing. Allele origin: germline.
Comment: This sequence change replaces histidine, which is basic and polar, with tyrosine, which is neutral and polar, at codon 1180 of the IFT172 protein (p.His1180Tyr). This variant is present in population databases (rs746868013, gnomAD 0.02%). This variant has not been reported in the literature in individuals affected with IFT172-related conditions. ClinVar contains an entry for this variant (Variation ID: 843450). Invitae Evidence Modeling of protein sequence and biophysical properties (such as structural, functional, and spatial information, amino acid conservation, physicochemical variation, residue mobility, and thermodynamic stability) has been performed for this missense variant. However, the output from this modeling did not meet the statistical confidence thresholds required to predict the impact of this variant on IFT172 protein function. In summary, the available evidence is currently insufficient to determine the role of this variant in disease. Therefore, it has been classified as a Variant of Uncertain Significance.

Blueprint Genetics
Classification: Uncertain significance. Last evaluated: 2024-11-06. Review status: criteria provided, single submitter. Criteria: ACMG Guidelines, 2015. Collection method: clinical testing. Allele origin: germline.

Fulgent Genetics
Classification: Uncertain significance for Short-rib thoracic dysplasia 10 with or without polydactyly; Retinitis pigmentosa 71; Bardet-Biedl syndrome 20. Last evaluated: 2024-03-09. Review status: criteria provided, single submitter. Criteria: ACMG Guidelines, 2015. Collection method: clinical testing. Allele origin: germline.

CeGaT Center for Human Genetics Tuebingen
Classification: Uncertain significance. Last evaluated: 2024-02-01. Review status: criteria provided, single submitter. Criteria: CeGaT Center For Human Genetics Tuebingen Variant Classification Criteria Version 2. Collection method: clinical testing. Allele origin: germline. Affected: yes. Observed: 1 variant allele.
Comment: IFT172: PM2, PP3

PreventionGenetics, part of Exact Sciences
Classification: Uncertain significance for IFT172-related condition. Last evaluated: 2024-04-29. Review status: no assertion criteria provided. Collection method: clinical testing. Allele origin: germline. Not counted in ClinVar's aggregate classification.
Comment: The IFT172 c.3538C>T variant is predicted to result in the amino acid substitution p.His1180Tyr. To our knowledge, this variant has not been reported in the literature. This variant is reported in 0.020% of alleles in individuals of Ashkenazi Jewish descent in gnomAD. At this time, the clinical significance of this variant is uncertain due to the absence of conclusive functional and genetic evidence.